The following is an entry in ClinVar:

ClinVar aggregate classification (germline): Uncertain significance (1 of 4 stars; one submission).

Allele frequency attached by ClinVar (database versions not stated): gnomAD exomes below 0.00001; TOPMed below 0.00001; gnomAD 0.00001.
gnomAD v4.1: 2 of 1,613,516 alleles (0.00012%); highest among the groups gnomAD compares: Non-Finnish European, 0.00017%; no homozygotes.

Submission:

Labcorp Genetics (formerly Invitae), Labcorp
Classification: Uncertain significance. Last evaluated: 2025-11-21. Review status: criteria provided, single submitter. Criteria: Invitae Variant Classification Sherloc (09022015). Collection method: clinical testing. Allele origin: germline.
Comment: This sequence change replaces threonine, which is neutral and polar, with alanine, which is neutral and non-polar, at codon 190 of the FH protein (p.Thr190Ala). This variant is not present in population databases (gnomAD no frequency). This variant has not been reported in the literature in individuals affected with FH-related conditions. ClinVar contains an entry for this variant (Variation ID: 2074917). Invitae Evidence Modeling of protein sequence and biophysical properties (such as structural, functional, and spatial information, amino acid conservation, physicochemical variation, residue mobility, and thermodynamic stability) has been performed for this missense variant. However, the output from this modeling did not meet the statistical confidence thresholds required to predict the impact of this variant on FH protein function. In summary, the available evidence is currently insufficient to determine the role of this variant in disease. Therefore, it has been classified as a Variant of Uncertain Significance.

NM_000143.4(FH):c.568A>G (p.Thr190Ala)

Gene: FH (fumarate hydratase; minus strand). Cytogenetic location: 1q43.
Variant type: single nucleotide variant.
Coding change: c.568A>G on transcript NM_000143.4 (MANE Select); coding-DNA position 568, A replaced by G.
Protein change: p.Thr190Ala; replaces threonine 190 with alanine.
Molecular consequence: missense variant.
Genome position (GRCh38, 1-based): chr1:241,508,773, T>C on the plus strand (A>G on the coding strand, the complement: FH is on the minus strand). VCF-style: chr1-241508773-T-C. GRCh37 (hg19) VCF-style: chr1-241672073-T-C.
Other names: short protein forms T190A.
Identifiers: ClinVar variation 2074917 (VCV002074917.3), dbSNP rs1285653127, ClinGen allele CA345439485.
Genomic context (GRCh38, chr1:241,508,773, plus strand): 5'-CTGGTAACAGTACTTCATGAACTTCTATTGCAGCAGCAATGTGCATTGCTGTGGGAAAAG[T>C]ATCATTTGAGCTCTGTTGGAAATTTTTCAAAAGAAATATAAAATGTTAAATCAGAGGCAA-3'
Protein context (NP_000134.2, residues 180-200): HVNKSQSSND[Thr190Ala]FPTAMHIAAA